The following is an entry in ClinVar:

NM_001182.5(ALDH7A1):c.464A>C (p.Asp155Ala)

Gene: ALDH7A1 (aldehyde dehydrogenase 7 family member A1; minus strand). Cytogenetic location: 5q23.2.
Variant type: single nucleotide variant.
Coding change: c.464A>C on transcript NM_001182.5 (MANE Select); coding-DNA position 464, A replaced by C.
Protein change: p.Asp155Ala; replaces aspartic acid 155 with alanine.
Molecular consequence: missense variant.
Genome position (GRCh38, 1-based): chr5:126,582,904, T>G on the plus strand (A>C on the coding strand, the complement: ALDH7A1 is on the minus strand). VCF-style: chr5-126582904-T-G. GRCh37 (hg19) VCF-style: chr5-125918596-T-G.
Other names: c.380A>C, p.Asp127Ala (NM_001201377.2); c.464A>C, p.Asp155Ala (NM_001202404.2); short protein forms D127A, D155A.
Identifiers: ClinVar variation 2104941 (VCV002104941.4), dbSNP rs2480338041, ClinGen allele CA360731803.
Genomic context (GRCh38, chr5:126,582,904, plus strand): 5'-TGCTTACTTTCAGAAGGCAAGATAGGTCCTCCAATCATCCTTGATAAACCAACAGCATAG[T>G]CACAGATATCCACATACTCCTGAACTTCACCCACACCTTCCACTAAGATTTTCCCCATCT-3'
Protein context (NP_001173.2, residues 145-165): GEVQEYVDIC[Asp155Ala]YAVGLSRMIG

ClinVar aggregate classification (germline): Uncertain significance (1 of 4 stars; one submission).

Conditions:
Pyridoxine-dependent epilepsy (EPEO4). Also called: Pyridoxine-Dependent Seizures; Pyridoxine-Dependent Epilepsy - ALDH7A1; PYRIDOXINE DEPENDENCY WITH SEIZURES; EPILEPSY, EARLY-ONSET, 4, VITAMIN B6-DEPENDENT. Identifiers: Orphanet 3006, MedGen C1849508, MONDO:0009945, OMIM 266100. Disease mechanism: loss of function.

Submission:

Labcorp Genetics (formerly Invitae), Labcorp
Classification: Uncertain significance for Pyridoxine-dependent epilepsy. Last evaluated: 2022-03-01. Review status: criteria provided, single submitter. Criteria: Invitae Variant Classification Sherloc (09022015). Collection method: clinical testing. Allele origin: germline.
Comment: In summary, the available evidence is currently insufficient to determine the role of this variant in disease. Therefore, it has been classified as a Variant of Uncertain Significance. Advanced modeling of protein sequence and biophysical properties (such as structural, functional, and spatial information, amino acid conservation, physicochemical variation, residue mobility, and thermodynamic stability) performed at Invitae indicates that this missense variant is expected to disrupt ALDH7A1 protein function. This variant has not been reported in the literature in individuals affected with ALDH7A1-related conditions. This variant is not present in population databases (gnomAD no frequency). This sequence change replaces aspartic acid, which is acidic and polar, with alanine, which is neutral and non-polar, at codon 155 of the ALDH7A1 protein (p.Asp155Ala).